The following is an entry in ClinVar:

NM_001367873.1(SOX6):c.433A>G (p.Thr145Ala)

Gene: SOX6 (SRY-box transcription factor 6; minus strand). Cytogenetic location: 11p15.2.
Variant type: single nucleotide variant.
Coding change: c.433A>G on transcript NM_001367873.1 (MANE Select); coding-DNA position 433, A replaced by G.
Protein change: p.Thr145Ala; replaces threonine 145 with alanine.
Molecular consequence: missense variant.
Genome position (GRCh38, 1-based): chr11:16,318,458, T>C on the plus strand (A>G on the coding strand, the complement: SOX6 is on the minus strand). VCF-style: chr11-16318458-T-C. GRCh37 (hg19) VCF-style: chr11-16340004-T-C.
Other names: c.433A>G, p.Thr145Ala (NM_001145811.2, NM_001145819.2, NM_001367872.1 and 2 more transcripts); short protein forms T145A.
Identifiers: ClinVar variation 4885653 (VCV004885653.2).
Genomic context (GRCh38, chr11:16,318,458, plus strand): 5'-ATCTTTAGAAGAAAAAAAACAGAGCCCAACAGTGAAGTCCACACATACCCTCTTGTTCAG[T>C]CCGAGTCATTTCCTCAAGCTTCTTCTGTTTCAGTGTGTCCACCACATCGGCAAGACTCCC-3'
Protein context (NP_001354802.1, residues 135-155): KQKKLEEMTR[Thr145Ala]EQEDSSCMEK

ClinVar aggregate classification (germline): Uncertain significance (1 of 4 stars; one submission).

Submission:

Dasa
Classification: Uncertain significance. Last evaluated: 2025-04-16. Review status: criteria provided, single submitter. Criteria: DASA Assertion Criteria. Collection method: clinical testing. Allele origin: germline.
Comment: NM_001367873.1(SOX6):c.433A>G (p.Thr145Ala) is a missense variant that results in the substitution of threonine with alanine. This variant is absent from population databases. The currently available literature and clinical evidence are not sufficient to establish a definitive association between this variant and the reported condition. Therefore, this variant is classified as a variant of uncertain significance.